The following is an entry in ClinVar:

ClinVar aggregate classification (germline): Uncertain significance (1 of 4 stars; one submission).

Conditions:
Dyskeratosis congenita. Identifiers: Orphanet 1775, MedGen C0265965, MONDO:0015780.

Submission:

Labcorp Genetics (formerly Invitae), Labcorp
Classification: Uncertain significance for Dyskeratosis congenita. Last evaluated: 2022-06-10. Review status: criteria provided, single submitter. Criteria: Invitae Variant Classification Sherloc (09022015). Collection method: clinical testing. Allele origin: germline.
Comment: In summary, the available evidence is currently insufficient to determine the role of this variant in disease. Therefore, it has been classified as a Variant of Uncertain Significance. This variant has not been reported in the literature in individuals affected with TINF2-related conditions. This variant is not present in population databases (gnomAD no frequency). This sequence change creates a premature translational stop signal (p.Leu57Phefs*5) in the TINF2 gene. It is expected to result in an absent or disrupted protein product. However, the current clinical and genetic evidence is not sufficient to establish whether loss-of-function variants in TINF2 cause disease.

NM_001099274.3(TINF2):c.169del (p.Leu57fs)

Genes: TINF2 (TERF1 interacting nuclear factor 2; minus strand), LOC130055403 (ATAC-STARR-seq lymphoblastoid active region 8199; plus strand). Cytogenetic location: 14q12.
Variant type: Deletion.
Coding change: c.169del on transcript NM_001099274.3 (MANE Select); coding-DNA position 169, one base deleted (C; older notation c.169delC).
Protein change: p.Leu57fs; shifts the reading frame from leucine 57.
Molecular consequence: frameshift variant.
Genome position (GRCh38, 1-based): chr14:24,242,164, G deleted on the plus strand (C on the coding strand, the reverse complement: TINF2 is on the minus strand); the first of 2 consecutive G bases (chr14:24,242,164-24,242,165); deleting either gives the same sequence. VCF-style (leftmost placement, unchanged base first): chr14-24242163-AG-A. GRCh37 (hg19) VCF-style: chr14-24711369-AG-A.
Other names: c.169del, p.Leu57fs (NM_001363668.2, NM_012461.3); short protein forms L57fs.
Identifiers: ClinVar variation 2001205 (VCV002001205.4), dbSNP rs2502467088, ClinGen allele CA2580087944.